The following is an entry in ClinVar:

ClinVar aggregate classification (germline): Uncertain significance (1 of 4 stars; one submission).

Allele frequency attached by ClinVar (database versions not stated): gnomAD exomes 0.00001; ExAC 0.00002.
gnomAD v4.1: 15 of 1,614,202 alleles (0.00093%); highest among the groups gnomAD compares: South Asian, 0.016%; no homozygotes.

Submission:

Labcorp Genetics (formerly Invitae), Labcorp
Classification: Uncertain significance. Last evaluated: 2022-05-16. Review status: criteria provided, single submitter. Criteria: Invitae Variant Classification Sherloc (09022015). Collection method: clinical testing. Allele origin: germline.
Comment: This variant has not been reported in the literature in individuals affected with TNFRSF11B-related conditions. This sequence change replaces isoleucine, which is neutral and non-polar, with leucine, which is neutral and non-polar, at codon 398 of the TNFRSF11B protein (p.Ile398Leu). This variant is present in population databases (rs772520936, gnomAD 0.01%). Algorithms developed to predict the effect of missense changes on protein structure and function (SIFT, PolyPhen-2, Align-GVGD) all suggest that this variant is likely to be tolerated. In summary, the available evidence is currently insufficient to determine the role of this variant in disease. Therefore, it has been classified as a Variant of Uncertain Significance.

NM_002546.4(TNFRSF11B):c.1192A>C (p.Ile398Leu)

Gene: TNFRSF11B (TNF receptor superfamily member 11b; minus strand). Cytogenetic location: 8q24.12.
Variant type: single nucleotide variant.
Coding change: c.1192A>C on transcript NM_002546.4 (MANE Select); coding-DNA position 1192, A replaced by C.
Protein change: p.Ile398Leu; replaces isoleucine 398 with leucine.
Molecular consequence: missense variant.
Genome position (GRCh38, 1-based): chr8:118,924,388, T>G on the plus strand (A>C on the coding strand, the complement: TNFRSF11B is on the minus strand). VCF-style: chr8-118924388-T-G. GRCh37 (hg19) VCF-style: chr8-119936627-T-G.
Other names: short protein forms I398L.
Identifiers: ClinVar variation 1987886 (VCV001987886.4), dbSNP rs772520936, ClinGen allele CA4854753.